The following is an entry in ClinVar:

NM_001197104.2(KMT2A):c.5981T>G (p.Phe1994Cys)

Gene: KMT2A (lysine methyltransferase 2A; plus strand). Cytogenetic location: 11q23.3.
Variant type: single nucleotide variant.
Coding change: c.5981T>G on transcript NM_001197104.2 (MANE Select); coding-DNA position 5981, T replaced by G.
Protein change: p.Phe1994Cys; replaces phenylalanine 1994 with cysteine.
Molecular consequence: missense variant.
Genome position (GRCh38, 1-based): chr11:118,499,322, T>G. VCF-style: chr11-118499322-T-G. GRCh37 (hg19) VCF-style: chr11-118370037-T-G.
Other names: c.6071T>G, p.Phe2024Cys (NM_001412597.1); c.5972T>G, p.Phe1991Cys (NM_005933.4); short protein forms F1991C, F1994C, F2024C.
Identifiers: ClinVar variation 3603130 (VCV003603130.1).
Genomic context (GRCh38, chr11:118,499,322, plus strand): 5'-AAGGGACAGCCTATTAACAGCTACCATGGGTTTTATTTAAGGTGGTTCCTGAGAATGGAT[T>G]TGAAGTTTTCAGAAGAGTGTTTGTGGACTTTGAAGGAATCAGCTTGAGAAGGAAGTTTCT-3'
Protein context (NP_001184033.1, residues 1984-2004): IKGEVVPENG[Phe1994Cys]EVFRRVFVDF

ClinVar aggregate classification (germline): Uncertain significance (1 of 4 stars; one submission).

Submission:

GeneDx
Classification: Uncertain significance. Last evaluated: 2024-08-07. Review status: criteria provided, single submitter. Criteria: GeneDx Variant Classification Process June 2021. Collection method: clinical testing. Allele origin: germline. Affected: yes.
Comment: Not observed at significant frequency in large population cohorts (gnomAD); In silico analysis supports that this missense variant has a deleterious effect on protein structure/function; Has not been previously published as pathogenic or benign to our knowledge